The following is an entry in ClinVar:

ClinVar aggregate classification (germline): Uncertain significance (1 of 4 stars; one submission).

gnomAD v4.1: 1 of 1,551,420 alleles (0.000064%); highest among the groups gnomAD compares: Non-Finnish European, 0.000087%; no homozygotes.

Submission:

Labcorp Genetics (formerly Invitae), Labcorp
Classification: Uncertain significance. Last evaluated: 2025-08-30. Review status: criteria provided, single submitter. Criteria: Invitae Variant Classification Sherloc (09022015). Collection method: clinical testing. Allele origin: germline.
Comment: This sequence change falls in intron 5 of the ZSWIM6 gene. It does not directly change the encoded amino acid sequence of the ZSWIM6 protein. This variant is not present in population databases (gnomAD no frequency). This variant has not been reported in the literature in individuals affected with ZSWIM6-related conditions. Algorithms developed to predict the effect of sequence changes on RNA splicing suggest that this variant may disrupt the consensus splice site. In summary, the available evidence is currently insufficient to determine the role of this variant in disease. Therefore, it has been classified as a Variant of Uncertain Significance.

NM_020928.2(ZSWIM6):c.1514-4A>G

Gene: ZSWIM6 (zinc finger SWIM-type containing 6; plus strand). Cytogenetic location: 5q12.1.
Variant type: single nucleotide variant.
Coding change: c.1514-4A>G on transcript NM_020928.2 (MANE Select); 4 bases into the intron before coding-DNA position 1514, A replaced by G.
Molecular consequence: intron variant.
Genome position (GRCh38, 1-based): chr5:61,525,796, A>G. VCF-style: chr5-61525796-A-G. GRCh37 (hg19) VCF-style: chr5-60821623-A-G.
Identifiers: ClinVar variation 4807238 (VCV004807238.1).
Genomic context (GRCh38, chr5:61,525,796, plus strand): 5'-TATGACTGATTTATTCACATGTGAATAATAGCTGACACGGCTTTCTGAATTGTGGAAAAA[A>G]CAGATTCATCGAACAGGCCACATCGGACAGTGTTCACCCGAGCCATCGAGGCATGCGATC-3'